The following is an entry in ClinVar:

NM_006648.4(WNK2):c.743G>T (p.Gly248Val)

Gene: WNK2 (WNK lysine deficient protein kinase 2; plus strand). Cytogenetic location: 9q22.31.
Variant type: single nucleotide variant.
Coding change: c.743G>T on transcript NM_006648.4 (MANE Select); coding-DNA position 743, G replaced by T.
Protein change: p.Gly248Val; replaces glycine 248 with valine.
Molecular consequence: missense variant.
Genome position (GRCh38, 1-based): chr9:93,229,757, G>T. VCF-style: chr9-93229757-G-T. GRCh37 (hg19) VCF-style: chr9-95992039-G-T.
Other names: c.743G>T, p.Gly248Val (NM_001282394.3); short protein forms G248V.
Identifiers: ClinVar variation 3816832 (VCV003816832.1).
Genomic context (GRCh38, chr9:93,229,757, plus strand): 5'-ACCGGAAGCTCACCAAGCTGGAGCGGCAGCGGTTCAAGGAAGAGGCTGAGATGCTGAAAG[G>T]CCTGCAGCACCCCAACATCGTGCGCTTCTACGACTTCTGGGAGTCCAGCGCCAAGGGCAA-3'
Protein context (NP_006639.3, residues 238-258): RFKEEAEMLK[Gly248Val]LQHPNIVRFY

ClinVar aggregate classification (germline): Uncertain significance (1 of 4 stars; one submission).

gnomAD v4.1: 4 of 1,613,756 alleles (0.00025%); highest among the groups gnomAD compares: Non-Finnish European, 0.00034%; no homozygotes.

Submission:

Ambry Genetics
Classification: Uncertain significance. Last evaluated: 2025-01-13. Review status: criteria provided, single submitter. Criteria: Ambry Variant Classification Scheme 2023. Collection method: clinical testing. Allele origin: germline.
Comment: The p.G248V variant (also known as c.743G>T), located in coding exon 2 of the WNK2 gene, results from a G to T substitution at nucleotide position 743. The glycine at codon 248 is replaced by valine, an amino acid with dissimilar properties. This amino acid position is conserved. In addition, this alteration is predicted to be deleterious by in silico analysis. Based on the available evidence, the clinical significance of this variant remains unclear.